The following is an entry in ClinVar:

NM_015311.3(OBSL1):c.128_129insA (p.Val44fs)

Gene: OBSL1 (obscurin like cytoskeletal adaptor 1; minus strand). Cytogenetic location: 2q35.
Variant type: Insertion.
Coding change: c.128_129insA on transcript NM_015311.3 (MANE Select); coding-DNA positions 128 to 129, A inserted.
Protein change: p.Val44fs; shifts the reading frame from valine 44.
Molecular consequence: frameshift variant.
Genome position: GRCh38 VCF-style: chr2-219571104-C-CT. GRCh37 (hg19) VCF-style: chr2-220435826-C-CT.
Other names: c.128_129insA, p.Val44fs (NM_001173408.2, NM_001173431.2); short protein forms V44fs.
Identifiers: ClinVar variation 5019783 (VCV005019783.1).

ClinVar aggregate classification (germline): Pathogenic (1 of 4 stars; one submission).

Conditions:
3M syndrome 2. Also called: 3-M Syndrome, OBSL1-Related; THREE M SYNDROME 2. Identifiers: Orphanet 2616, MedGen C2752041, MONDO:0013039, OMIM 612921.

Submission:

Juno Genomics, Hangzhou Juno Genomics, Inc
Classification: Pathogenic for 3M syndrome 2. Review status: criteria provided, single submitter. Criteria: ACMG Guidelines, 2015. Collection method: clinical testing. Allele origin: germline. Affected: yes.
Comment: Absent from controls (or at extremely low frequency if recessive) in Genome Aggregation Database.;Null variant in a gene where loss of function (LOF) is a known mechanism of disease.;For recessive disorders, detected in trans with a pathogenic variant.